The following is an entry in ClinVar:

NM_001048174.2(MUTYH):c.827G>A (p.Ser276Asn)

Gene: MUTYH (mutY DNA glycosylase; minus strand). Cytogenetic location: 1p34.1.
Variant type: single nucleotide variant.
Coding change: c.827G>A on transcript NM_001048174.2 (MANE Select); coding-DNA position 827, G replaced by A.
Protein change: p.Ser276Asn; replaces serine 276 with asparagine.
Molecular consequence: missense variant. On other transcripts: non-coding transcript variant (2).
Genome position (GRCh38, 1-based): chr1:45,332,188, C>T on the plus strand (G>A on the coding strand, the complement: MUTYH is on the minus strand). VCF-style: chr1-45332188-C-T. GRCh37 (hg19) VCF-style: chr1-45797860-C-T.
Other names: c.827G>A, p.Ser276Asn (NM_001048171.2, NM_001048173.2, NM_001293195.2); c.830G>A, p.Ser277Asn (NM_001048172.2); c.911G>A, p.Ser304Asn (NM_001128425.2); c.872G>A, p.Ser291Asn (NM_001293190.2); c.860G>A, p.Ser287Asn (NM_001293191.2); c.551G>A, p.Ser184Asn (NM_001293192.2, NM_001293196.2); c.482G>A, p.Ser161Asn (NM_001350650.2, NM_001350651.2); c.902G>A, p.Ser301Asn (NM_012222.3); short protein forms S304N, S277N, S301N, S161N, S184N, S276N, S287N, S291N.
Identifiers: ClinVar variation 483890 (VCV000483890.28), dbSNP rs1553127574, ClinGen allele CA340134353.
Genomic context (GRCh38, chr1:45,332,188, plus strand): 5'-CTTAGGACTTCTCACTGCCCCTTCCCCAGTAGGCTTACTCTCTGGCGTGCCCGGCACAGG[C>T]TCTCCACAGGGCACTGGCTGCACAGTGGGCGCTGTGGGGTACACACTGTGGCCCCTAGCT-3'
Protein context (NP_001041639.1, residues 266-286): RPLCSQCPVE[Ser276Asn]LCRARQRVEQ

ClinVar aggregate classification (germline): Conflicting classifications of pathogenicity. Review status: criteria provided, conflicting classifications (1 of 4 stars). 7 submissions from 7 submitters: Uncertain significance (6); Benign (1). Last evaluated 2025-09-09.

Conditions:
Hereditary cancer-predisposing syndrome. Also called: Tumor predisposition; Hereditary Cancer Syndrome; Neoplastic Syndromes, Hereditary; Hereditary neoplastic syndrome. Identifiers: Orphanet 140162, MedGen C0027672, MeSH D009386, MONDO:0015356.
Familial adenomatous polyposis 2. Also called: MUTYH-related attenuated familial adenomatous polyposis; MUTYH-associated polyposis; MYH-associated polyposis; FAP type 2; MUTYH Polyposis; COLORECTAL ADENOMATOUS POLYPOSIS, AUTOSOMAL RECESSIVE. Identifiers: Orphanet 220460, Orphanet 247798, MedGen C3272841, MONDO:0012041, OMIM 608456.

Allele frequency attached by ClinVar (database versions not stated): gnomAD exomes below 0.00001; TOPMed below 0.00001.
gnomAD v4.1: 3 of 1,614,224 alleles (0.00019%); highest among the groups gnomAD compares: Non-Finnish European, 0.00025%; no homozygotes.

Submissions (7):

Ambry Genetics
Classification: Benign for Hereditary cancer-predisposing syndrome. Last evaluated: 2025-09-09. Review status: criteria provided, single submitter. Criteria: Ambry Variant Classification Scheme 2023. Collection method: clinical testing. Allele origin: germline.

Color Diagnostics, LLC DBA Color Health
Classification: Uncertain significance for Hereditary cancer-predisposing syndrome. Last evaluated: 2025-08-06. Review status: criteria provided, single submitter. Criteria: ACMG Guidelines, 2015. Collection method: clinical testing. Allele origin: germline.
Comment: This missense variant replaces serine with asparagine at codon 304 of the MUTYH protein. Computational prediction suggests that this variant may not impact protein structure and function. To our knowledge, functional studies have not been reported for this variant. This variant has not been reported in individuals affected with MUTYH-related disorders in the literature. This variant has not been identified in the general population by the Genome Aggregation Database (gnomAD). The available evidence is insufficient to determine the role of this variant in disease conclusively. Therefore, this variant is classified as a Variant of Uncertain Significance.

Labcorp Genetics (formerly Invitae), Labcorp
Classification: Uncertain significance for Familial adenomatous polyposis 2. Last evaluated: 2025-08-03. Review status: criteria provided, single submitter. Criteria: Invitae Variant Classification Sherloc (09022015). Collection method: clinical testing. Allele origin: germline.
Comment: This sequence change replaces serine, which is neutral and polar, with asparagine, which is neutral and polar, at codon 304 of the MUTYH protein (p.Ser304Asn). This variant is not present in population databases (gnomAD no frequency). This variant has not been reported in the literature in individuals affected with MUTYH-related conditions. ClinVar contains an entry for this variant (Variation ID: 483890). An algorithm developed to predict the effect of missense changes on protein structure and function outputs the following: PolyPhen-2: "Benign". The asparagine amino acid residue is found in multiple mammalian species, which suggests that this missense change does not adversely affect protein function. In summary, the available evidence is currently insufficient to determine the role of this variant in disease. Therefore, it has been classified as a Variant of Uncertain Significance.

All of Us Research Program, National Institutes of Health
Classification: Uncertain significance for Familial adenomatous polyposis 2. Last evaluated: 2023-08-28. Review status: criteria provided, single submitter. Criteria: ACMG Guidelines, 2015. Collection method: clinical testing. Allele origin: germline. Inheritance: Autosomal recessive inheritance. Observed: 3 variant alleles, 3 heterozygotes.
Comment: This missense variant replaces serine with asparagine at codon 304 of the MUTYH protein. Computational prediction suggests that this variant may not impact protein structure and function (internally defined REVEL score threshold <= 0.5, PMID: 27666373). To our knowledge, functional studies have not been reported for this variant. This variant has not been reported in individuals affected with MUTYH-related disorders in the literature. This variant has not been identified in the general population by the Genome Aggregation Database (gnomAD). The available evidence is insufficient to determine the role of this variant in disease conclusively. Therefore, this variant is classified as a Variant of Uncertain Significance.

This study involves interpretation of variants in research participants for the purpose of population health screening. Participant phenotype was not available at the time of variant classification. Additional details can be found in publication PMID: 35346344, PMCID: PMC8962531

Blueprint Genetics
Classification: Uncertain significance. Last evaluated: 2021-07-28. Review status: criteria provided, single submitter. Criteria: ACMG Guidelines, 2015. Collection method: clinical testing. Allele origin: germline.

GeneDx
Classification: Uncertain significance. Last evaluated: 2019-10-21. Review status: criteria provided, single submitter. Criteria: GeneDx Variant Classification Process June 2021. Collection method: clinical testing. Allele origin: germline. Affected: yes.
Comment: Not observed in large population cohorts (Lek 2016); In silico analysis, which includes protein predictors and evolutionary conservation, supports that this variant does not alter protein structure/function; Has not been previously published as pathogenic or benign to our knowledge

Laboratory for Molecular Medicine, Mass General Brigham Personalized Medicine
Classification: Uncertain significance. Last evaluated: 2017-01-17. Review status: criteria provided, single submitter. Criteria: LMM Criteria. Collection method: clinical testing. Allele origin: germline. Observed: 1 variant allele.
Comment: Variant classified as Uncertain Significance - Favor Benign. The p.Ser304Asn var iant in MUTYH has not been reported in individuals with MUTYH-associated polypos is and was absent from large population studies. Serine (Ser) at position 304 is poorly conserved in evolution and 3 mammals have the variant amino acid (Asn) a t this position, suggesting that this change may be tolerated. Additional compu tational prediction tools suggest that the p.Ser304Asn variant may not impact th e protein, though this information is not predictive enough to rule out pathogen icity. In summary, while the clinical significance of the p.Ser304Asn variant is uncertain, the lack of evolutionary conservation suggests that it is more likel y to be benign.

Literature cited by the submitters: PubMed 40738107 (cited by Ambry Genetics).